The following is an entry in ClinVar:

ClinVar aggregate classification (germline): Conflicting classifications of pathogenicity. Review status: criteria provided, conflicting classifications (1 of 4 stars). 3 submissions from 3 submitters: Uncertain significance (2); Likely benign (1). Last evaluated 2023-12-05.

Conditions:
Hereditary cancer-predisposing syndrome. Also called: Hereditary Cancer Syndrome; Neoplastic Syndromes, Hereditary; Tumor predisposition; Hereditary neoplastic syndrome. Identifiers: Orphanet 140162, MedGen C0027672, MeSH D009386, MONDO:0015356.
Hereditary diffuse gastric adenocarcinoma (HDGC). Also called: DIFFUSE GASTRIC AND LOBULAR BREAST CANCER SYNDROME. Identifiers: Orphanet 26106, MedGen C1708349, MONDO:0007648, OMIM 137215.

Submissions (3):

Color Diagnostics, LLC DBA Color Health
Classification: Uncertain significance for Hereditary cancer-predisposing syndrome. Last evaluated: 2023-12-05. Review status: criteria provided, single submitter. Criteria: ACMG Guidelines, 2015. Collection method: clinical testing. Allele origin: germline.
Comment: This missense variant replaces alanine with threonine at codon 137 of the CDH1 protein. To our knowledge, functional studies have not been reported for this variant. This variant has not been reported in individuals affected with CDH1-related disorders in the literature. This variant has not been identified in the general population by the Genome Aggregation Database (gnomAD). The available evidence is insufficient to determine the role of this variant in disease conclusively. Therefore, this variant is classified as a Variant of Uncertain Significance.

Ambry Genetics
Classification: Likely benign for Hereditary cancer-predisposing syndrome. Last evaluated: 2023-07-12. Review status: criteria provided, single submitter. Criteria: Ambry Variant Classification Scheme 2023. Collection method: clinical testing. Allele origin: germline.

Labcorp Genetics (formerly Invitae), Labcorp
Classification: Uncertain significance for Hereditary diffuse gastric adenocarcinoma. Last evaluated: 2022-10-20. Review status: criteria provided, single submitter. Criteria: Invitae Variant Classification Sherloc (09022015). Collection method: clinical testing. Allele origin: germline.
Comment: This sequence change replaces alanine, which is neutral and non-polar, with threonine, which is neutral and polar, at codon 137 of the CDH1 protein (p.Ala137Thr). This variant is not present in population databases (gnomAD no frequency). This variant has not been reported in the literature in individuals affected with CDH1-related conditions. ClinVar contains an entry for this variant (Variation ID: 630454). Algorithms developed to predict the effect of missense changes on protein structure and function output the following: SIFT: "Tolerated"; PolyPhen-2: "Benign"; Align-GVGD: "Class C0". The threonine amino acid residue is found in multiple mammalian species, which suggests that this missense change does not adversely affect protein function. In summary, the available evidence is currently insufficient to determine the role of this variant in disease. Therefore, it has been classified as a Variant of Uncertain Significance.

NM_004360.5(CDH1):c.409G>A (p.Ala137Thr)

Gene: CDH1 (cadherin 1; plus strand). Cytogenetic location: 16q22.1.
Variant type: single nucleotide variant.
Coding change: c.409G>A on transcript NM_004360.5 (MANE Select); coding-DNA position 409, G replaced by A.
Protein change: p.Ala137Thr; replaces alanine 137 with threonine.
Molecular consequence: missense variant. On other transcripts: 5 prime UTR variant (2).
Genome position (GRCh38, 1-based): chr16:68,808,445, G>A. VCF-style: chr16-68808445-G-A. GRCh37 (hg19) VCF-style: chr16-68842348-G-A.
Other names: c.409G>A, p.Ala137Thr (NM_001317184.2); c.-1207G>A (NM_001317185.2); c.-1411G>A (NM_001317186.2); c.409G>A (NM_004360.3); short protein forms A137T.
Identifiers: ClinVar variation 630454 (VCV000630454.12), dbSNP rs876658797, ClinGen allele CA396457558.
Genomic context (GRCh38, chr16:68,808,445, plus strand): 5'-GAATTGTCTTATCTTGTTCCTCATCTTCTTTCCTTTTAGGCCTCCGTTTCTGGAATCCAA[G>A]CAGAATTGCTCACATTTCCCAACTCCTCTCCTGGCCTCAGAAGACAGAAGAGAGACTGGG-3'
Protein context (NP_004351.1, residues 127-147): PHQASVSGIQ[Ala137Thr]ELLTFPNSSP